The following is an entry in ClinVar:

ClinVar aggregate classification (germline): Uncertain significance (1 of 4 stars; one submission).

Conditions:
Ullrich congenital muscular dystrophy 2 (UCMD2). Identifiers: Orphanet 75840, MedGen C4225314, MONDO:0014654, OMIM 616470.
Bethlem myopathy 2 (BTHLM2). Identifiers: Orphanet 536516, Orphanet 610, MedGen C4225313, MONDO:0034022, OMIM 616471.

Submission:

Labcorp Genetics (formerly Invitae), Labcorp
Classification: Uncertain significance for Bethlem myopathy 2; Ullrich congenital muscular dystrophy 2. Last evaluated: 2023-01-25. Review status: criteria provided, single submitter. Criteria: Invitae Variant Classification Sherloc (09022015). Collection method: clinical testing. Allele origin: germline.
Comment: This sequence change falls in intron 19 of the COL12A1 gene. It does not directly change the encoded amino acid sequence of the COL12A1 protein. It affects a nucleotide within the consensus splice site. This variant is present in population databases (rs765590083, gnomAD 0.01%). This variant has not been reported in the literature in individuals affected with COL12A1-related conditions. Variants that disrupt the consensus splice site are a relatively common cause of aberrant splicing (PMID: 17576681, 9536098). Algorithms developed to predict the effect of sequence changes on RNA splicing suggest that this variant is not likely to affect RNA splicing. In summary, the available evidence is currently insufficient to determine the role of this variant in disease. Therefore, it has been classified as a Variant of Uncertain Significance.

Literature cited by the submitters: PubMed 17576681; PubMed 9536098.

NM_004370.6(COL12A1):c.3835+3_3835+6del

Gene: COL12A1 (collagen type XII alpha 1 chain; minus strand). Cytogenetic location: 6q13.
Variant type: Deletion.
Coding change: c.3835+3_3835+6del on transcript NM_004370.6 (MANE Select); bases 3 to 6 of the intron after coding-DNA position 3835, 4 bases deleted (GAGT; older notation c.3835+3_3835+6delGAGT).
Molecular consequence: splice donor variant.
Genome position (GRCh38, 1-based): chr6:75,152,125-75,152,128, ACTC deleted on the plus strand (GAGT on the coding strand, the reverse complement: COL12A1 is on the minus strand); deleting any 4 consecutive bases within chr6:75,152,125-75,152,130 gives the same sequence; the c. name uses the placement nearest the transcript's 3' end. VCF-style (leftmost placement, unchanged base first): chr6-75152124-TACTC-T. GRCh37 (hg19) VCF-style: chr6-75861840-TACTC-T.
Other names: c.343+3_343+6del (NM_001424116.1, NM_080645.3); c.3562+3_3562+6del (NM_001424115.1); c.3835+3_3835+6del (NM_001424114.1, NM_001424113.1).
Identifiers: ClinVar variation 2926846 (VCV002926846.3), dbSNP rs765590083, ClinGen allele CA3893611.
Genomic context (GRCh38, chr6:75,152,124, plus strand): 5'-TCACCATTCAGCCACAAACCTTAACCAGAAGCATGAGCTGAAAGACTGTCAGACAGTCCT[TACTC>T]ACCTGTGAGAGTATTGCCTCCTTTGTACGGCAAGTTTGCCACAGCTTGCAACAAGCTCTT-3'